The following is an entry in ClinVar:

NM_004958.4(MTOR):c.5170A>T (p.Met1724Leu)

Gene: MTOR (mechanistic target of rapamycin kinase; minus strand). Cytogenetic location: 1p36.22.
Variant type: single nucleotide variant.
Coding change: c.5170A>T on transcript NM_004958.4 (MANE Select); coding-DNA position 5170, A replaced by T.
Protein change: p.Met1724Leu; replaces methionine 1724 with leucine.
Molecular consequence: missense variant.
Genome position (GRCh38, 1-based): chr1:11,134,427, T>A on the plus strand (A>T on the coding strand, the complement: MTOR is on the minus strand). VCF-style: chr1-11134427-T-A. GRCh37 (hg19) VCF-style: chr1-11194484-T-A.
Other names: c.5170A>T, p.Met1724Leu (NM_001386500.1); c.3922A>T, p.Met1308Leu (NM_001386501.1); short protein forms M1308L, M1724L.
Identifiers: ClinVar variation 1713646 (VCV001713646.5), dbSNP rs777793513, ClinGen allele CA338400996.

ClinVar aggregate classification (germline): Uncertain significance (1 of 4 stars; one submission).

Submission:

Labcorp Genetics (formerly Invitae), Labcorp
Classification: Uncertain significance. Last evaluated: 2023-12-18. Review status: criteria provided, single submitter. Criteria: Invitae Variant Classification Sherloc (09022015). Collection method: clinical testing. Allele origin: germline.
Comment: This sequence change replaces methionine, which is neutral and non-polar, with leucine, which is neutral and non-polar, at codon 1724 of the MTOR protein (p.Met1724Leu). This variant is not present in population databases (gnomAD no frequency). This variant has not been reported in the literature in individuals affected with MTOR-related conditions. ClinVar contains an entry for this variant (Variation ID: 1713646). Advanced modeling of protein sequence and biophysical properties (such as structural, functional, and spatial information, amino acid conservation, physicochemical variation, residue mobility, and thermodynamic stability) performed at Invitae indicates that this missense variant is not expected to disrupt MTOR protein function with a negative predictive value of 95%. In summary, the available evidence is currently insufficient to determine the role of this variant in disease. Therefore, it has been classified as a Variant of Uncertain Significance.